The following is an entry in ClinVar:

NM_019023.5(PRMT7):c.-83-1G>A

Gene: PRMT7 (protein arginine methyltransferase 7; plus strand). Cytogenetic location: 16q22.1.
Variant type: single nucleotide variant.
Coding change: c.-83-1G>A on transcript NM_019023.5 (MANE Select); the canonical splice acceptor site of the intron before 83 bases upstream of the start codon, G replaced by A.
Molecular consequence: splice acceptor variant.
Genome position (GRCh38, 1-based): chr16:68,315,896, G>A. VCF-style: chr16-68315896-G-A. GRCh37 (hg19) VCF-style: chr16-68349799-G-A.
Other names: c.-283-1G>A (NM_001378022.1, NM_001378021.1, NM_001378023.1); c.-83-1G>A (NM_001351143.3, NM_001351144.3, NM_001378018.1 and 2 more transcripts); c.-144-1G>A (NM_001378020.1).
Identifiers: ClinVar variation 2505775 (VCV002505775.2), dbSNP rs963987735, ClinGen allele CA283266994.

ClinVar aggregate classification (germline): Conflicting classifications of pathogenicity. Review status: criteria provided, conflicting classifications (1 of 4 stars). 3 submissions from 3 submitters: Likely pathogenic (1); Uncertain significance (2). Last evaluated 2025-09-03.

Conditions:
Short stature-brachydactyly-obesity-global developmental delay syndrome. Also called: Short stature, brachydactyly, intellectual developmental disability, and seizures; SHORT STATURE, BRACHYDACTYLY, IMPAIRED INTELLECTUAL DEVELOPMENT, AND SEIZURES. Identifiers: Orphanet 464288, MedGen C4310689, MONDO:0014944, OMIM 617157.

Allele frequency attached by ClinVar (database versions not stated): TOPMed 0.00002; gnomAD 0.00003.
gnomAD v4.1: 32 of 1,122,392 alleles (0.0029%); highest among the groups gnomAD compares: South Asian, 0.018%; 1 homozygote.

Submissions (3):

First Genomix Gene Laboratory, Genetic Diagnostics Department
Classification: Likely pathogenic for Short stature-brachydactyly-obesity-global developmental delay syndrome. Last evaluated: 2025-09-03. Review status: criteria provided, single submitter. Criteria: ACMG Guidelines, 2015. Collection method: clinical testing. Allele origin: germline. Inheritance: Autosomal recessive inheritance. Affected: no. Observed: 1 variant allele.

GeneDx
Classification: Uncertain significance. Last evaluated: 2022-12-21. Review status: criteria provided, single submitter. Criteria: GeneDx Variant Classification Process June 2021. Collection method: clinical testing. Allele origin: germline. Affected: yes.
Comment: Not observed at significant frequency in large population cohorts (gnomAD); In silico analysis supports a deleterious effect on splicing; Has not been previously published as pathogenic or benign to our knowledge

Breakthrough Genomics
Classification: Uncertain significance. Review status: criteria provided, single submitter. Criteria: ACMG Guidelines, 2015. Collection method: not provided. Allele origin: germline. Inheritance: Autosomal recessive inheritance. Affected: yes.